The following is an entry in ClinVar:

ClinVar aggregate classification (germline): Uncertain significance (1 of 4 stars; one submission).

Conditions:
Dilated cardiomyopathy 1G (CMD1G). Identifiers: Orphanet 154, MedGen C1858763, MONDO:0011400, OMIM 604145.
Autosomal recessive limb-girdle muscular dystrophy type 2J (LGMDR10). Also called: Limb-girdle muscular dystrophy, type 2J; MUSCULAR DYSTROPHY, LIMB-GIRDLE, AUTOSOMAL RECESSIVE 10. Identifiers: Orphanet 140922, MedGen C1837342, MONDO:0012127, OMIM 608807.

Submission:

Labcorp Genetics (formerly Invitae), Labcorp
Classification: Uncertain significance for Dilated cardiomyopathy 1G; Autosomal recessive limb-girdle muscular dystrophy type 2J. Last evaluated: 2021-01-18. Review status: criteria provided, single submitter. Criteria: Invitae Variant Classification Sherloc (09022015). Collection method: clinical testing. Allele origin: germline.
Comment: This variant is not present in population databases (ExAC no frequency). Algorithms developed to predict the effect of missense changes on protein structure and function are unavailable for the TTN gene. In summary, the available evidence is currently insufficient to determine the role of this variant in disease. Therefore, it has been classified as a Variant of Uncertain Significance. The glutamic acid amino acid residue is found in multiple mammalian species, suggesting that this missense change does not adversely affect protein function. These predictions have not been confirmed by published functional studies and their clinical significance is uncertain. This variant has not been reported in the literature in individuals with TTN-related conditions. This variant is located in the M band of TTN (PMID: 25589632). Variants in this region may be relevant for neuromuscular disorders, but have not been definitively shown to cause cardiomyopathy (PMID: 23975875). This sequence change replaces glycine with glutamic acid at codon 35473 of the TTN protein (p.Gly35473Glu). There is a moderate physicochemical difference between glycine and glutamic acid.

Literature cited by the submitters: PubMed 25589632; PubMed 23975875.

NM_001267550.2(TTN):c.106418G>A (p.Gly35473Glu)

Genes: TTN (titin; minus strand), TTN-AS1 (TTN antisense RNA 1; plus strand). Cytogenetic location: 2q31.2.
Variant type: single nucleotide variant.
Coding change: c.106418G>A on transcript NM_001267550.2 (MANE Select); coding-DNA position 106418, G replaced by A.
Protein change: p.Gly35473Glu; replaces glycine 35473 with glutamic acid.
Molecular consequence: missense variant.
Genome position (GRCh38, 1-based): chr2:178,530,073, C>T on the plus strand (G>A on the coding strand, the complement: TTN is on the minus strand). VCF-style: chr2-178530073-C-T. GRCh37 (hg19) VCF-style: chr2-179394800-C-T.
Other names: c.101495G>A, p.Gly33832Glu (NM_001256850.1); c.79223G>A, p.Gly26408Glu (NM_003319.4); c.98714G>A, p.Gly32905Glu (NM_133378.4); c.79598G>A, p.Gly26533Glu (NM_133432.3); c.79799G>A, p.Gly26600Glu (NM_133437.4); short protein forms G26600E, G33832E, G35473E, G26408E, G26533E, G32905E.
Identifiers: ClinVar variation 1463137 (VCV001463137.6), dbSNP rs1688381864, ClinGen allele CA349405393.